The following is an entry in ClinVar:

NM_003923.3(FOXH1):c.100C>T (p.Pro34Ser)

Gene: FOXH1 (forkhead box H1; minus strand). Cytogenetic location: 8q24.3.
Variant type: single nucleotide variant.
Coding change: c.100C>T on transcript NM_003923.3 (MANE Select); coding-DNA position 100, C replaced by T.
Protein change: p.Pro34Ser; replaces proline 34 with serine.
Molecular consequence: missense variant.
Genome position (GRCh38, 1-based): chr8:144,475,657, G>A on the plus strand (C>T on the coding strand, the complement: FOXH1 is on the minus strand). VCF-style: chr8-144475657-G-A. GRCh37 (hg19) VCF-style: chr8-145701040-G-A.
Other names: short protein forms P34S.
Identifiers: ClinVar variation 2741774 (VCV002741774.3), dbSNP rs1825128070, ClinGen allele CA372726152.

ClinVar aggregate classification (germline): Uncertain significance (1 of 4 stars; one submission).

Conditions:
Holoprosencephaly sequence (HPE). Also called: Holoprosencephaly. Identifiers: Orphanet 2162, MedGen C0079541, MONDO:0016296, HP:0001360.

Allele frequency attached by ClinVar (database versions not stated): TOPMed below 0.00001; gnomAD 0.00001.
gnomAD v4.1: 2 of 1,422,098 alleles (0.00014%); highest among the groups gnomAD compares: Non-Finnish European, 0.000092%; no homozygotes.

Submission:

Labcorp Genetics (formerly Invitae), Labcorp
Classification: Uncertain significance for Holoprosencephaly sequence. Last evaluated: 2023-05-10. Review status: criteria provided, single submitter. Criteria: Invitae Variant Classification Sherloc (09022015). Collection method: clinical testing. Allele origin: germline.
Comment: This sequence change replaces proline, which is neutral and non-polar, with serine, which is neutral and polar, at codon 34 of the FOXH1 protein (p.Pro34Ser). This variant is not present in population databases (gnomAD no frequency). This variant has not been reported in the literature in individuals affected with FOXH1-related conditions. Advanced modeling of protein sequence and biophysical properties (such as structural, functional, and spatial information, amino acid conservation, physicochemical variation, residue mobility, and thermodynamic stability) performed at Invitae indicates that this missense variant is not expected to disrupt FOXH1 protein function. In summary, the available evidence is currently insufficient to determine the role of this variant in disease. Therefore, it has been classified as a Variant of Uncertain Significance.